The following is an entry in ClinVar:

NM_014844.5(TECPR2):c.3790-18G>C

Gene: TECPR2 (tectonin beta-propeller repeat containing 2; plus strand). Cytogenetic location: 14q32.31.
Variant type: single nucleotide variant.
Coding change: c.3790-18G>C on transcript NM_014844.5 (MANE Select); 18 bases into the intron before coding-DNA position 3790, G replaced by C.
Molecular consequence: intron variant.
Genome position (GRCh38, 1-based): chr14:102,496,961, G>C. VCF-style: chr14-102496961-G-C. GRCh37 (hg19) VCF-style: chr14-102963298-G-C.
Identifiers: ClinVar variation 517008 (VCV000517008.7), dbSNP rs138918519, ClinGen allele CA7358348.

ClinVar aggregate classification (germline): Benign/Likely benign. Review status: criteria provided, multiple submitters, no conflicts (2 of 4 stars). 3 submissions from 3 submitters: Benign (2); Likely benign (1). Last evaluated 2026-01-24.

Conditions:
Hereditary spastic paraplegia 49 (HSAN9). Also called: Spastic paraplegia 49, autosomal recessive; NEUROPATHY, HEREDITARY SENSORY AND AUTONOMIC, TYPE IX, WITH DEVELOPMENTAL DELAY; TECPR2-Related Hereditary Sensory and Autonomic Neuropathy with Intellectual Disability. Identifiers: Orphanet 320385, MedGen C5190860, MONDO:0014016, OMIM 615031.

Allele frequency attached by ClinVar (database versions not stated): gnomAD exomes 0.00031 and 0.00092; ExAC 0.00125; gnomAD 0.00346 and 0.00368; TOPMed 0.00371; 1000 Genomes Project 0.00379; 1000 Genomes Project 30x 0.00406; ESP Exome Variant Server 0.00431.

Submissions (3):

Labcorp Genetics (formerly Invitae), Labcorp
Classification: Benign for Hereditary spastic paraplegia 49. Last evaluated: 2026-01-24. Review status: criteria provided, single submitter. Criteria: Invitae Variant Classification Sherloc (09022015). Collection method: clinical testing. Allele origin: germline.

Blueprint Genetics
Classification: Likely benign. Last evaluated: 2024-11-13. Review status: criteria provided, single submitter. Criteria: ACMG Guidelines, 2015. Collection method: clinical testing. Allele origin: germline.

GeneDx
Classification: Benign. Last evaluated: 2017-10-11. Review status: criteria provided, single submitter. Criteria: GeneDx Variant Classification (06012015). Collection method: clinical testing. Allele origin: germline. Affected: yes.
Comment: This variant is considered likely benign or benign based on one or more of the following criteria: it is a conservative change, it occurs at a poorly conserved position in the protein, it is predicted to be benign by multiple in silico algorithms, and/or has population frequency not consistent with disease.